The following is an entry in ClinVar:

NM_032776.3(JMJD1C):c.1739C>T (p.Thr580Ile)

Gene: JMJD1C (jumonji domain containing 1C; minus strand). Cytogenetic location: 10q21.3.
Variant type: single nucleotide variant.
Coding change: c.1739C>T on transcript NM_032776.3 (MANE Select); coding-DNA position 1739, C replaced by T.
Protein change: p.Thr580Ile; replaces threonine 580 with isoleucine.
Molecular consequence: missense variant. On other transcripts: non-coding transcript variant (1).
Genome position (GRCh38, 1-based): chr10:63,214,428, G>A on the plus strand (C>T on the coding strand, the complement: JMJD1C is on the minus strand). VCF-style: chr10-63214428-G-A. GRCh37 (hg19) VCF-style: chr10-64974188-G-A.
Other names: c.1193C>T, p.Thr398Ile (NM_001282948.2, NM_001318154.2); c.875C>T, p.Thr292Ile (NM_001318153.2); c.1625C>T, p.Thr542Ile (NM_001322252.2); c.1082C>T, p.Thr361Ile (NM_001322254.2, NM_001322258.2); short protein forms T542I, T361I, T292I, T398I, T580I.
Identifiers: ClinVar variation 1039793 (VCV001039793.8), dbSNP rs751103385, ClinGen allele CA5518754.

ClinVar aggregate classification (germline): Uncertain significance (1 of 4 stars; one submission).

Conditions:
Early Myoclonic Encephalopathy. Identifiers: MedGen C0270855.

Allele frequency attached by ClinVar (database versions not stated): gnomAD exomes below 0.00001; ExAC 0.00001; TOPMed 0.00001.
gnomAD v4.1: 1 of 1,613,634 alleles (0.000062%); highest among the groups gnomAD compares: African/African-American, 0.0013%; no homozygotes.

Submission:

Labcorp Genetics (formerly Invitae), Labcorp
Classification: Uncertain significance for Early Myoclonic Encephalopathy. Last evaluated: 2024-03-03. Review status: criteria provided, single submitter. Criteria: Invitae Variant Classification Sherloc (09022015). Collection method: clinical testing. Allele origin: germline.
Comment: This sequence change replaces threonine, which is neutral and polar, with isoleucine, which is neutral and non-polar, at codon 580 of the JMJD1C protein (p.Thr580Ile). This variant is present in population databases (rs751103385, gnomAD 0.007%). This variant has not been reported in the literature in individuals affected with JMJD1C-related conditions. ClinVar contains an entry for this variant (Variation ID: 1039793). Advanced modeling of protein sequence and biophysical properties (such as structural, functional, and spatial information, amino acid conservation, physicochemical variation, residue mobility, and thermodynamic stability) performed at Invitae indicates that this missense variant is not expected to disrupt JMJD1C protein function with a negative predictive value of 80%. In summary, the available evidence is currently insufficient to determine the role of this variant in disease. Therefore, it has been classified as a Variant of Uncertain Significance.